The following is an entry in ClinVar:

ClinVar aggregate classification (germline): Uncertain significance (1 of 4 stars; one submission).

Submission:

CeGaT Center for Human Genetics Tuebingen
Classification: Uncertain significance. Last evaluated: 2023-07-01. Review status: criteria provided, single submitter. Criteria: CeGaT Center For Human Genetics Tuebingen Variant Classification Criteria Version 2. Collection method: clinical testing. Allele origin: germline. Affected: yes. Observed: 1 variant allele.
Comment: EFTUD2: PM2

NM_004247.4(EFTUD2):c.70G>A (p.Asp24Asn)

Gene: EFTUD2 (elongation factor Tu GTP binding domain containing 2; minus strand). Cytogenetic location: 17q21.31.
Variant type: single nucleotide variant.
Coding change: c.70G>A on transcript NM_004247.4 (MANE Select); coding-DNA position 70, G replaced by A.
Protein change: p.Asp24Asn; replaces aspartic acid 24 with asparagine.
Molecular consequence: missense variant. On other transcripts: intron variant (1).
Genome position (GRCh38, 1-based): chr17:44,894,452, C>T on the plus strand (G>A on the coding strand, the complement: EFTUD2 is on the minus strand). VCF-style: chr17-44894452-C-T. GRCh37 (hg19) VCF-style: chr17-42971820-C-T.
Other names: c.70G>A, p.Asp24Asn (NM_001258353.2, NM_001258354.2); c.-1+4917G>A (NM_001142605.2); short protein forms D24N.
Identifiers: ClinVar variation 2647839 (VCV002647839.24), dbSNP rs2508866464, ClinGen allele CA399826866.
Genomic context (GRCh38, chr17:44,894,452, plus strand): 5'-TAAAAGAGCAATATATTTGTTTTACCTCATCAAGATCTTTGGTCTCTCTACCCAATTCAT[C>T]ATCATCTTCATCAGAATCAAGCTCTGGTCCAATATAATTCCCAAACTCATCATATAAGTC-3'
Protein context (NP_004238.3, residues 14-34): GPELDSDEDD[Asp24Asn]ELGRETKDLD